The following is an entry in ClinVar:

NM_001005242.3(PKP2):c.405C>G (p.Ser135=)

Gene: PKP2 (plakophilin 2; minus strand). Cytogenetic location: 12p11.21.
Variant type: single nucleotide variant.
Coding change: c.405C>G on transcript NM_001005242.3 (MANE Select); coding-DNA position 405, C replaced by G.
Protein change: p.Ser135=; no amino-acid change (serine 135 retained).
Molecular consequence: synonymous variant.
Genome position (GRCh38, 1-based): chr12:32,878,475, G>C on the plus strand (C>G on the coding strand, the complement: PKP2 is on the minus strand). VCF-style: chr12-32878475-G-C. GRCh37 (hg19) VCF-style: chr12-33031409-G-C.
Other names: c.405C>G, p.Ser135= (NM_001407155.1, NM_001407156.1, NM_001407157.1 and 2 more transcripts); c.78C>G, p.Ser26= (NM_001407158.1, NM_001407159.1, NM_001407160.1 and 1 more transcripts).
Identifiers: ClinVar variation 2564440 (VCV002564440.3), dbSNP rs775423741, ClinGen allele CA479388251.
Genomic context (GRCh38, chr12:32,878,475, plus strand): 5'-GCTGCTGTCAGGAGAAATCTCCAGTCTCCTCAGAGGATGCCTCAAGGACCTTTCTTCCAC[G>C]GACTTCTGGGAGCTGTACTGTGCTGTTCCTCTTCCCCAGCGACCTTCATAAGTGGCAGTT-3'
Protein context (NP_001005242.2, residues 125-145): RGTAQYSSQK[Ser135=]VEERSLRHPL

ClinVar aggregate classification (germline): Likely benign. Review status: criteria provided, multiple submitters, no conflicts (2 of 4 stars). 2 submissions from 2 submitters: Likely benign (2). Last evaluated 2024-07-20.

Conditions:
Arrhythmogenic right ventricular cardiomyopathy (ARVD). Also called: Arrhythmogenic right ventricular dysplasia; Cardiomyopathy, ARVC; Arrhythmogenic cardiomyopathy; Arrhythmogenic Right Ventricular Cardiomyopathy (ARVC). Identifiers: Orphanet 247, MedGen C0349788, MeSH D019571, MONDO:0016587. Disease mechanism: loss of function. Inheritance: Various modes of inheritance.
Cardiovascular phenotype. Identifiers: MedGen CN230736.

Submissions (2):

All of Us Research Program, National Institutes of Health
Classification: Likely benign for Arrhythmogenic right ventricular cardiomyopathy. Last evaluated: 2024-07-20. Review status: criteria provided, single submitter. Criteria: ACMG Guidelines, 2015. Collection method: clinical testing. Allele origin: germline. Inheritance: Autosomal dominant inheritance. Observed: 1 variant allele, 1 heterozygote.
Comment: This study involves interpretation of variants in research participants for the purpose of population health screening. Participant phenotype was not available at the time of variant classification. Additional details can be found in publication PMID: 35346344, PMCID: PMC8962531

Ambry Genetics
Classification: Likely benign for Cardiovascular phenotype. Last evaluated: 2023-06-07. Review status: criteria provided, single submitter. Criteria: Ambry Variant Classification Scheme 2023. Collection method: clinical testing. Allele origin: germline.